The following is an entry in ClinVar:

ClinVar aggregate classification (germline): Uncertain significance. Review status: criteria provided, multiple submitters, no conflicts (2 of 4 stars). 2 submissions from 2 submitters: Uncertain significance (2). Last evaluated 2022-05-17.

gnomAD v4.1: 4 of 1,608,788 alleles (0.00025%); highest among the groups gnomAD compares: Non-Finnish European, 0.00025%; no homozygotes.

Submissions (2):

Labcorp Genetics (formerly Invitae), Labcorp
Classification: Uncertain significance. Last evaluated: 2022-05-17. Review status: criteria provided, single submitter. Criteria: Invitae Variant Classification Sherloc (09022015). Collection method: clinical testing. Allele origin: germline.
Comment: This sequence change replaces alanine, which is neutral and non-polar, with threonine, which is neutral and polar, at codon 36 of the CEP250 protein (p.Ala36Thr). The frequency data for this variant in the population databases is considered unreliable, as metrics indicate poor data quality at this position in the gnomAD database. This variant has not been reported in the literature in individuals affected with CEP250-related conditions. Algorithms developed to predict the effect of missense changes on protein structure and function are either unavailable or do not agree on the potential impact of this missense change (SIFT: "Not Available"; PolyPhen-2: "Probably Damaging"; Align-GVGD: "Not Available"). In summary, the available evidence is currently insufficient to determine the role of this variant in disease. Therefore, it has been classified as a Variant of Uncertain Significance.

Blueprint Genetics
Classification: Uncertain significance. Last evaluated: 2021-08-26. Review status: criteria provided, single submitter. Criteria: ACMG Guidelines, 2015. Collection method: clinical testing. Allele origin: germline.

NM_007186.6(CEP250):c.106G>A (p.Ala36Thr)

Gene: CEP250 (centrosomal protein 250; plus strand). Cytogenetic location: 20q11.22.
Variant type: single nucleotide variant.
Coding change: c.106G>A on transcript NM_007186.6 (MANE Select); coding-DNA position 106, G replaced by A.
Protein change: p.Ala36Thr; replaces alanine 36 with threonine.
Molecular consequence: missense variant. On other transcripts: 5 prime UTR variant (1).
Genome position (GRCh38, 1-based): chr20:35,462,473, G>A. VCF-style: chr20-35462473-G-A. GRCh37 (hg19) VCF-style: chr20-34050298-G-A.
Other names: c.-1794G>A (NM_001318219.1); short protein forms A36T.
Identifiers: ClinVar variation 2000745 (VCV002000745.5), dbSNP rs1299471008, ClinGen allele CA408751506.